The following is an entry in ClinVar:

ClinVar aggregate classification (germline): Uncertain significance (1 of 4 stars; one submission).

Submission:

Labcorp Genetics (formerly Invitae), Labcorp
Classification: Uncertain significance. Last evaluated: 2024-02-28. Review status: criteria provided, single submitter. Criteria: Invitae Variant Classification Sherloc (09022015). Collection method: clinical testing. Allele origin: germline.
Comment: This sequence change replaces alanine, which is neutral and non-polar, with threonine, which is neutral and polar, at codon 613 of the POLA1 protein (p.Ala613Thr). This variant is not present in population databases (gnomAD no frequency). This variant has not been reported in the literature in individuals affected with POLA1-related conditions. Advanced modeling of protein sequence and biophysical properties (such as structural, functional, and spatial information, amino acid conservation, physicochemical variation, residue mobility, and thermodynamic stability) performed at Invitae indicates that this missense variant is not expected to disrupt POLA1 protein function with a negative predictive value of 80%. In summary, the available evidence is currently insufficient to determine the role of this variant in disease. Therefore, it has been classified as a Variant of Uncertain Significance.

NM_001330360.2(POLA1):c.1855G>A (p.Ala619Thr)

Gene: POLA1 (DNA polymerase alpha 1, catalytic subunit; plus strand). Cytogenetic location: Xp22.11.
Variant type: single nucleotide variant.
Coding change: c.1855G>A on transcript NM_001330360.2 (MANE Select); coding-DNA position 1855, G replaced by A.
Protein change: p.Ala619Thr; replaces alanine 619 with threonine.
Molecular consequence: missense variant. On other transcripts: non-coding transcript variant (2).
Genome position (GRCh38, 1-based): chrX:24,735,420, G>A. VCF-style: chrX-24735420-G-A. GRCh37 (hg19) VCF-style: chrX-24753537-G-A.
Other names: c.1780G>A, p.Ala594Thr (NM_001378303.1); c.1837G>A, p.Ala613Thr (NM_016937.4); short protein forms A594T, A613T, A619T.
Identifiers: ClinVar variation 3643621 (VCV003643621.2).